The following is an entry in ClinVar:

ClinVar aggregate classification (germline): Likely pathogenic (1 of 4 stars; one submission).

Submission:

GeneDx
Classification: Likely pathogenic. Last evaluated: 2023-07-10. Review status: criteria provided, single submitter. Criteria: GeneDx Variant Classification Process June 2021. Collection method: clinical testing. Allele origin: germline. Affected: yes.
Comment: Identified in a cohort of Usher syndrome type 1 probands in published literature (Bujakowska et al., 2014) but additional evidence is not available; Not observed in large population cohorts (gnomAD); Canonical splice site variant expected to result in aberrant splicing, although in the absence of functional evidence the actual effect of this sequence change is unknown.; This variant is associated with the following publications: (PMID: 25468891, 31546658)

NM_022124.6(CDH23):c.1134+1G>A

Gene: CDH23 (cadherin related 23; plus strand). Cytogenetic location: 10q22.1.
Variant type: single nucleotide variant.
Coding change: c.1134+1G>A on transcript NM_022124.6 (MANE Select); the canonical splice donor site of the intron after coding-DNA position 1134, G replaced by A.
Molecular consequence: splice donor variant. On other transcripts: missense variant (1).
Genome position (GRCh38, 1-based): chr10:71,617,394, G>A. VCF-style: chr10-71617394-G-A. GRCh37 (hg19) VCF-style: chr10-73377151-G-A.
Other names: c.1135G>A, p.Val379Met (NM_001171932.2); c.1134+1G>A (NM_001171930.2, NM_001171931.2, NM_052836.4); short protein forms V379M.
Identifiers: ClinVar variation 2572758 (VCV002572758.1), dbSNP rs2493704899, ClinGen allele CA377122764.
Genomic context (GRCh38, chr10:71,617,394, plus strand): 5'-GAGCTGGCACAGGTCGGCTTTGCCCTTCCACTCTTCATCCAGGTGGTGGACAAGGATGAG[G>A]TGAGTCCCTGGACACATGGCCCATGCAGACCCACCACCCATCCAGACCCACCACCCTGCC-3'